The following is an entry in ClinVar:

NM_181712.5(KANK4):c.1007G>T (p.Arg336Met)

Gene: KANK4 (KN motif and ankyrin repeat domains 4; minus strand). Cytogenetic location: 1p31.3.
Variant type: single nucleotide variant.
Coding change: c.1007G>T on transcript NM_181712.5 (MANE Select); coding-DNA position 1007, G replaced by T.
Protein change: p.Arg336Met; replaces arginine 336 with methionine.
Molecular consequence: missense variant. On other transcripts: intron variant (1).
Genome position (GRCh38, 1-based): chr1:62,274,097, C>A on the plus strand (G>T on the coding strand, the complement: KANK4 is on the minus strand). VCF-style: chr1-62274097-C-A. GRCh37 (hg19) VCF-style: chr1-62739769-C-A.
Other names: c.17-2508G>T (NM_001320269.2); short protein forms R336M.
Identifiers: ClinVar variation 2349545 (VCV002349545.7), dbSNP rs202244622, ClinGen allele CA884452.
Genomic context (GRCh38, chr1:62,274,097, plus strand): 5'-AACTCTCCCTCCAGGGCCGAGACCTGCTGTTTCAGGCTGGAGATGCTGCCTGGATCCACC[C>A]TGGCAAGGCCCAGGCTTTCCTCAGTTACCCTGATGCCAATGCTTCTCATGTCCACCTCTA-3'
Protein context (NP_859063.3, residues 326-346): RVTEESLGLA[Arg336Met]VDPGSISSLK

ClinVar aggregate classification (germline): Uncertain significance. Review status: criteria provided, multiple submitters, no conflicts (2 of 4 stars). 3 submissions from 3 submitters: Uncertain significance (2). 1 of the submissions does not count toward it. Last evaluated 2024-07-12.

Conditions:
KANK4-related disorder. Also called: KANK4-related condition.

Allele frequency attached by ClinVar (database versions not stated): ESP Exome Variant Server 0.00015; TOPMed 0.00019; ExAC 0.00020; gnomAD 0.00026.
gnomAD v4.1: 978 of 1,614,088 alleles (0.061%); highest among the groups gnomAD compares: Non-Finnish European, 0.081%; 2 homozygotes.

Submissions (3):

Labcorp Genetics (formerly Invitae), Labcorp
Classification: Uncertain significance. Last evaluated: 2024-07-12. Review status: criteria provided, single submitter. Criteria: Invitae Variant Classification Sherloc (09022015). Collection method: clinical testing. Allele origin: germline.
Comment: This sequence change replaces arginine, which is basic and polar, with methionine, which is neutral and non-polar, at codon 336 of the KANK4 protein (p.Arg336Met). This variant is present in population databases (rs202244622, gnomAD 0.05%). This variant has not been reported in the literature in individuals affected with KANK4-related conditions. ClinVar contains an entry for this variant (Variation ID: 2349545). An algorithm developed to predict the effect of missense changes on protein structure and function (PolyPhen-2) suggests that this variant is likely to be tolerated. In summary, the available evidence is currently insufficient to determine the role of this variant in disease. Therefore, it has been classified as a Variant of Uncertain Significance.

Ambry Genetics
Classification: Uncertain significance. Last evaluated: 2021-09-15. Review status: criteria provided, single submitter. Criteria: Ambry Variant Classification Scheme 2023. Collection method: clinical testing. Allele origin: germline.

PreventionGenetics, part of Exact Sciences
Classification: Uncertain significance for KANK4-related condition. Last evaluated: 2024-02-09. Review status: no assertion criteria provided. Collection method: clinical testing. Allele origin: germline. Not counted in ClinVar's aggregate classification.
Comment: The KANK4 c.1007G>T variant is predicted to result in the amino acid substitution p.Arg336Met. To our knowledge, this variant has not been reported in the literature. This variant is reported in 0.046% of alleles in individuals of European (Non-Finnish) descent in gnomAD. At this time, the clinical significance of this variant is uncertain due to the absence of conclusive functional and genetic evidence.